The following is an entry in ClinVar:

NM_024105.4(ALG12):c.986C>T (p.Ser329Phe)

Gene: ALG12 (ALG12 alpha-1,6-mannosyltransferase; minus strand). Cytogenetic location: 22q13.33.
Variant type: single nucleotide variant.
Coding change: c.986C>T on transcript NM_024105.4 (MANE Select); coding-DNA position 986, C replaced by T.
Protein change: p.Ser329Phe; replaces serine 329 with phenylalanine.
Molecular consequence: missense variant.
Genome position (GRCh38, 1-based): chr22:49,907,727, G>A on the plus strand (C>T on the coding strand, the complement: ALG12 is on the minus strand). VCF-style: chr22-49907727-G-A. GRCh37 (hg19) VCF-style: chr22-50301375-G-A.
Other names: short protein forms S329F.
Identifiers: ClinVar variation 2798241 (VCV002798241.2), dbSNP rs1037342705, ClinGen allele CA325426575.

ClinVar aggregate classification (germline): Uncertain significance (1 of 4 stars; one submission).

Conditions:
ALG12-congenital disorder of glycosylation (CDG1G). Also called: CDG Ig; Congenital disorder of glycosylation, type Ig; ALG12-CDG. Identifiers: Orphanet 79324, MedGen C2931001, MONDO:0011783, OMIM 607143.

Allele frequency attached by ClinVar (database versions not stated): gnomAD 0.00001; gnomAD exomes 0.00001; TOPMed 0.00002.
gnomAD v4.1: 10 of 1,613,800 alleles (0.00062%); highest among the groups gnomAD compares: Non-Finnish European, 0.00076%; no homozygotes.

Submission:

Labcorp Genetics (formerly Invitae), Labcorp
Classification: Uncertain significance for ALG12-congenital disorder of glycosylation. Last evaluated: 2024-05-06. Review status: criteria provided, single submitter. Criteria: Invitae Variant Classification Sherloc (09022015). Collection method: clinical testing. Allele origin: germline.
Comment: This sequence change replaces serine, which is neutral and polar, with phenylalanine, which is neutral and non-polar, at codon 329 of the ALG12 protein (p.Ser329Phe). This variant is not present in population databases (gnomAD no frequency). This variant has not been reported in the literature in individuals affected with ALG12-related conditions. Advanced modeling of protein sequence and biophysical properties (such as structural, functional, and spatial information, amino acid conservation, physicochemical variation, residue mobility, and thermodynamic stability) performed at Invitae indicates that this missense variant is not expected to disrupt ALG12 protein function with a negative predictive value of 80%. In summary, the available evidence is currently insufficient to determine the role of this variant in disease. Therefore, it has been classified as a Variant of Uncertain Significance.